The following is an entry in ClinVar:

NM_000518.5(HBB):c.93-3T>C

Genes: HBB (hemoglobin subunit beta; minus strand), LOC106099062 (HBB recombination region; plus strand), LOC107133510 (origin of replication at HBB; plus strand). Cytogenetic location: 11p15.4.
Variant type: single nucleotide variant.
Coding change: c.93-3T>C on transcript NM_000518.5 (MANE Select); 3 bases into the intron before coding-DNA position 93, T replaced by C.
Molecular consequence: intron variant.
Genome position (GRCh38, 1-based): chr11:5,226,802, A>G on the plus strand (T>C on the coding strand, the complement: HBB is on the minus strand). VCF-style: chr11-5226802-A-G. GRCh37 (hg19) VCF-style: chr11-5248032-A-G.
Identifiers: ClinVar variation 3911998 (VCV003911998.2).

ClinVar aggregate classification (germline): Uncertain significance (1 of 4 stars; one submission).

Submission:

Women's Health and Genetics/Laboratory Corporation of America, LabCorp
Classification: Uncertain significance. Last evaluated: 2025-07-01. Review status: criteria provided, single submitter. Criteria: LabCorp Variant Classification Summary - May 2015. Collection method: clinical testing. Allele origin: germline.
Comment: Variant summary: HBB c.93-3T>C alters a non-conserved nucleotide located close to a canonical splice site and therefore could affect mRNA splicing, leading to a significantly altered protein sequence. Consensus agreement among computation tools predict no significant impact on normal splicing. However, these predictions have yet to be confirmed by functional studies. The variant allele was found at a frequency of 4e-06 in 251100 control chromosomes. The available data on variant occurrences in the general population are insufficient to allow any conclusion about variant significance. To our knowledge, no occurrence of c.93-3T>C in individuals affected with Beta Thalassemia and no experimental evidence demonstrating its impact on protein function have been reported. No submitters have cited clinical-significance assessments for this variant to ClinVar. Based on the evidence outlined above, the variant was classified as uncertain significance.